The following is an entry in ClinVar:

ClinVar aggregate classification (germline): Pathogenic (1 of 4 stars; one submission).

Conditions:
Rubinstein-Taybi syndrome (RSTS). Identifiers: Orphanet 783, MedGen C0035934, MONDO:0019188.

Submission:

Labcorp Genetics (formerly Invitae), Labcorp
Classification: Pathogenic for Rubinstein-Taybi syndrome. Last evaluated: 2021-01-28. Review status: criteria provided, single submitter. Criteria: Invitae Variant Classification Sherloc (09022015). Collection method: clinical testing. Allele origin: germline.
Comment: For these reasons, this variant has been classified as Pathogenic. This variant disrupts the C-terminus of the CREBBP protein. Other variant(s) that disrupt this region (p.Arg2004*) have been determined to be pathogenic (PMID: 15706485, 21932317). This suggests that variants that disrupt this region of the protein are likely to be causative of disease. This variant has not been reported in the literature in individuals with CREBBP-related conditions. This variant is not present in population databases (ExAC no frequency). This sequence change creates a premature translational stop signal (p.Glu1766Alafs*7) in the CREBBP gene. While this is not anticipated to result in nonsense mediated decay, it is expected to disrupt the last 677 amino acid(s) of the CREBBP protein.

Literature cited by the submitters: PubMed 15706485; PubMed 21932317.

NM_004380.3(CREBBP):c.5296_5297insCCCAC (p.Glu1766fs)

Gene: CREBBP (CREB binding lysine acetyltransferase; minus strand). Cytogenetic location: 16p13.3.
Variant type: Insertion.
Coding change: c.5296_5297insCCCAC on transcript NM_004380.3 (MANE Select); coding-DNA positions 5296 to 5297, CCCAC inserted.
Protein change: p.Glu1766fs; shifts the reading frame from glutamic acid 1766.
Molecular consequence: frameshift variant.
Genome position: GRCh38 VCF-style: chr16-3729750-T-TGTGGG. GRCh37 (hg19) VCF-style: chr16-3779751-T-TGTGGG.
Other names: c.5182_5183insCCCAC, p.Glu1728fs (NM_001079846.1); short protein forms E1766fs, E1728fs.
Identifiers: ClinVar variation 1454532 (VCV001454532.8), dbSNP rs2151311901, ClinGen allele CA2573152063.